The following is an entry in ClinVar:

ClinVar aggregate classification (germline): Uncertain significance (1 of 4 stars; one submission).

Conditions:
Familial thoracic aortic aneurysm and aortic dissection (TAAD). Also called: Thoracic aortic aneurysms and dissections. Identifiers: Orphanet 91387, MedGen C4707243, MONDO:0019625.

Submission:

Ambry Genetics
Classification: Uncertain significance for Familial thoracic aortic aneurysm and aortic dissection. Last evaluated: 2025-12-16. Review status: criteria provided, single submitter. Criteria: Ambry Variant Classification Scheme 2023. Collection method: clinical testing. Allele origin: germline.
Comment: The p.E1158D variant (also known as c.3474G>T), located in coding exon 16 of the MYLK gene, results from a G to T substitution at nucleotide position 3474. The glutamic acid at codon 1158 is replaced by aspartic acid, an amino acid with highly similar properties. This amino acid position is conserved. In addition, this alteration is predicted to be tolerated by in silico analysis. Based on the available evidence, the clinical significance of this variant remains unclear.

NM_053025.4(MYLK):c.3474G>T (p.Glu1158Asp)

Gene: MYLK (myosin light chain kinase; minus strand). Cytogenetic location: 3q21.1.
Variant type: single nucleotide variant.
Coding change: c.3474G>T on transcript NM_053025.4 (MANE Select); coding-DNA position 3474, G replaced by T.
Protein change: p.Glu1158Asp; replaces glutamic acid 1158 with aspartic acid.
Molecular consequence: missense variant.
Genome position (GRCh38, 1-based): chr3:123,692,826, C>A on the plus strand (G>T on the coding strand, the complement: MYLK is on the minus strand). VCF-style: chr3-123692826-C-A. GRCh37 (hg19) VCF-style: chr3-123411673-C-A.
Other names: c.2946G>T, p.Glu982Asp (NM_001321309.2); c.3267G>T, p.Glu1089Asp (NM_053026.4, NM_053028.4); c.3474G>T, p.Glu1158Asp (NM_053027.4); short protein forms E1158D, E1089D, E982D.
Identifiers: ClinVar variation 4843593 (VCV004843593.1).